The following is an entry in ClinVar:

ClinVar aggregate classification (germline): Pathogenic (1 of 4 stars; one submission).

Conditions:
Danon disease. Also called: ANTOPOL DISEASE; Glycogen Storage Disease Type IIb; PSEUDOGLYCOGENOSIS II; GSD IIb; LYSOSOMAL GLYCOGEN STORAGE DISEASE WITHOUT ACID MALTASE DEFICIENCY. Identifiers: Orphanet 34587, MedGen C0878677, MONDO:0010281, OMIM 300257.

Submission:

Labcorp Genetics (formerly Invitae), Labcorp
Classification: Pathogenic for Danon disease. Last evaluated: 2022-04-24. Review status: criteria provided, single submitter. Criteria: Invitae Variant Classification Sherloc (09022015). Collection method: clinical testing. Allele origin: germline.
Comment: For these reasons, this variant has been classified as Pathogenic. This variant has not been reported in the literature in individuals affected with LAMP2-related conditions. This variant is not present in population databases (gnomAD no frequency). This sequence change creates a premature translational stop signal (p.Ile252Tyrfs*2) in the LAMP2 gene. It is expected to result in an absent or disrupted protein product. Loss-of-function variants in LAMP2 are known to be pathogenic (PMID: 21415759).

Literature cited by the submitters: PubMed 21415759.

NM_002294.3(LAMP2):c.753dup (p.Ile252fs)

Gene: LAMP2 (lysosome associated membrane protein 2; minus strand). Cytogenetic location: Xq24.
Variant type: Duplication.
Coding change: c.753dup on transcript NM_002294.3 (MANE Select); coding-DNA position 753, one base duplicated (T; older notation c.753dupT).
Protein change: p.Ile252fs; shifts the reading frame from isoleucine 252.
Molecular consequence: frameshift variant.
Genome position (GRCh38, 1-based): chrX:120,446,416, A duplicated on the plus strand (T on the coding strand, the reverse complement: LAMP2 is on the minus strand); the first of 2 consecutive A bases (chrX:120,446,416-120,446,417); duplicating either gives the same sequence. VCF-style (leftmost placement, unchanged base first): chrX-120446415-T-TA. GRCh37 (hg19) VCF-style: chrX-119580270-T-TA.
Other names: c.753dup, p.Ile252fs (NM_001122606.1, NM_013995.2); short protein forms I252fs.
Identifiers: ClinVar variation 2130101 (VCV002130101.4), dbSNP rs2520877438, ClinGen allele CA2580100289.